The following is an entry in ClinVar:

ClinVar aggregate classification (germline): Pathogenic (1 of 4 stars; one submission).

Submission:

GeneDx
Classification: Pathogenic. Last evaluated: 2021-01-06. Review status: criteria provided, single submitter. Criteria: GeneDx Variant Classification (06012015). Collection method: clinical testing. Allele origin: germline. Affected: yes.
Comment: Reliable data are not available in large population cohorts to assess the frequency of this variant in publicly available databases; however, this variant has not been detected in presumably healthy individuals tested at GeneDx. Frameshift variant predicted to result in protein truncation or nonsense mediated decay in a gene for which loss-of-function is a known mechanism of disease. We interpret c.2398dupC as a pathogenic variant.

NM_020719.3(PRR12):c.2398dup (p.Gln800fs)

Gene: PRR12 (proline rich 12; plus strand). Cytogenetic location: 19q13.33.
Variant type: Duplication.
Coding change: c.2398dup on transcript NM_020719.3 (MANE Select); coding-DNA position 2398, one base duplicated (C; older notation c.2398dupC).
Protein change: p.Gln800fs; shifts the reading frame from glutamine 800.
Molecular consequence: frameshift variant.
Genome position (GRCh38, 1-based): chr19:49,596,733, C duplicated; the last of 7 consecutive C bases (chr19:49,596,727-49,596,733); duplicating any one gives the same sequence. VCF-style (leftmost placement, unchanged base first): chr19-49596726-T-TC. GRCh37 (hg19) VCF-style: chr19-50099983-T-TC.
Other names: short protein forms Q800fs.
Identifiers: ClinVar variation 1013595 (VCV001013595.1), dbSNP rs2080772271, ClinGen allele CA508288599.